The following is an entry in ClinVar:

NM_003098.3(SNTA1):c.59G>A (p.Gly20Asp)

Genes: SNTA1 (syntrophin alpha 1; minus strand), LOC130065680 (ATAC-STARR-seq lymphoblastoid silent region 12812; plus strand). Cytogenetic location: 20q11.21.
Variant type: single nucleotide variant.
Coding change: c.59G>A on transcript NM_003098.3 (MANE Select); coding-DNA position 59, G replaced by A.
Protein change: p.Gly20Asp; replaces glycine 20 with aspartic acid.
Molecular consequence: missense variant.
Genome position (GRCh38, 1-based): chr20:33,443,562, C>T on the plus strand (G>A on the coding strand, the complement: SNTA1 is on the minus strand). VCF-style: chr20-33443562-C-T. GRCh37 (hg19) VCF-style: chr20-32031368-C-T.
Other names: c.59G>A, p.Gly20Asp (NM_001424413.1, NM_001424414.1); short protein forms G20D.
Identifiers: ClinVar variation 3446835 (VCV003446835.1).

ClinVar aggregate classification (germline): Uncertain significance (1 of 4 stars; one submission).

Conditions:
Cardiovascular phenotype. Identifiers: MedGen CN230736.

Submission:

Ambry Genetics
Classification: Uncertain significance for Cardiovascular phenotype. Last evaluated: 2024-11-13. Review status: criteria provided, single submitter. Criteria: Ambry Variant Classification Scheme 2023. Collection method: clinical testing. Allele origin: germline.
Comment: The p.G20D variant (also known as c.59G>A), located in coding exon 1 of the SNTA1 gene, results from a G to A substitution at nucleotide position 59. The glycine at codon 20 is replaced by aspartic acid, an amino acid with similar properties. This amino acid position is conserved. In addition, this alteration is predicted to be tolerated by in silico analysis. Based on the available evidence, the clinical significance of this variant remains unclear.